The following is an entry in ClinVar:

ClinVar aggregate classification (germline): Benign/Likely benign. Review status: criteria provided, multiple submitters, no conflicts (2 of 4 stars). 3 submissions from 3 submitters: Benign (1); Likely benign (1). 1 of the submissions does not count toward it. Last evaluated 2026-01-14.

Conditions:
BBS4-related disorder. Also called: BBS4-related condition.
Bardet-Biedl syndrome (BBS). Identifiers: Orphanet 110, MedGen C0752166, MONDO:0015229.

Allele frequency attached by ClinVar (database versions not stated): gnomAD exomes 0.00010 and 0.00024; gnomAD 0.00016; ExAC 0.00019; TOPMed 0.00019; ESP Exome Variant Server 0.00031.
gnomAD v4.1: 199 of 1,614,046 alleles (0.012%); highest among the groups gnomAD compares: Non-Finnish European, 0.0015%; 1 homozygote.

Submissions (3):

Labcorp Genetics (formerly Invitae), Labcorp
Classification: Likely benign for Bardet-Biedl syndrome. Last evaluated: 2026-01-14. Review status: criteria provided, single submitter. Criteria: Invitae Variant Classification Sherloc (09022015). Collection method: clinical testing. Allele origin: germline.

Blueprint Genetics
Classification: Benign. Last evaluated: 2024-06-10. Review status: criteria provided, single submitter. Criteria: ACMG Guidelines, 2015. Collection method: clinical testing. Allele origin: germline.

PreventionGenetics, part of Exact Sciences
Classification: Likely benign for BBS4-related condition. Last evaluated: 2019-10-15. Review status: no assertion criteria provided. Collection method: clinical testing. Allele origin: germline. Not counted in ClinVar's aggregate classification.
Comment: This variant is classified as likely benign based on ACMG/AMP sequence variant interpretation guidelines (Richards et al. 2015 PMID: 25741868, with internal and published modifications).

NM_033028.5(BBS4):c.1136C>T (p.Ala379Val)

Gene: BBS4 (Bardet-Biedl syndrome 4; plus strand). Cytogenetic location: 15q24.1.
Variant type: single nucleotide variant.
Coding change: c.1136C>T on transcript NM_033028.5 (MANE Select); coding-DNA position 1136, C replaced by T.
Protein change: p.Ala379Val; replaces alanine 379 with valine.
Molecular consequence: missense variant. On other transcripts: non-coding transcript variant (2).
Genome position (GRCh38, 1-based): chr15:72,735,854, C>T. VCF-style: chr15-72735854-C-T. GRCh37 (hg19) VCF-style: chr15-73028195-C-T.
Other names: c.620C>T, p.Ala207Val (NM_001252678.2); c.1067C>T, p.Ala356Val (NM_001320665.2); c.1136C>T (NM_033028.4); short protein forms A207V, A356V, A379V.
Identifiers: ClinVar variation 1135622 (VCV001135622.12), dbSNP rs147269475, ClinGen allele CA7646925.
Genomic context (GRCh38, chr15:72,735,854, plus strand): 5'-CCCAGCTCCATAGAATCTCTGTCTGCCACAGGTGTAACCCTTTAGTAAACCTGAACTATG[C>T]TGTGCTGCTGTACAACCAGGGCGAGAAGAAGAACGCCCTGGCCCAATATCAGGAGATGGA-3'
Protein context (NP_149017.2, residues 369-389): KCNPLVNLNY[Ala379Val]VLLYNQGEKK